The following is an entry in ClinVar:

NM_183374.3(CYP26C1):c.1260G>A (p.Val420=)

Gene: CYP26C1 (cytochrome P450 family 26 subfamily C member 1; plus strand). Cytogenetic location: 10q23.33.
Variant type: single nucleotide variant.
Coding change: c.1260G>A on transcript NM_183374.3 (MANE Select); coding-DNA position 1260, G replaced by A.
Protein change: p.Val420=; no amino-acid change (valine 420 retained).
Molecular consequence: synonymous variant.
Genome position (GRCh38, 1-based): chr10:93,068,388, G>A. VCF-style: chr10-93068388-G-A. GRCh37 (hg19) VCF-style: chr10-94828145-G-A.
Identifiers: ClinVar variation 2640681 (VCV002640681.24), dbSNP rs772802535, ClinGen allele CA5605858.

ClinVar aggregate classification (germline): Likely benign (1 of 4 stars; one submission).

Allele frequency attached by ClinVar (database versions not stated): ExAC 0.00001; gnomAD 0.00001; gnomAD exomes 0.00001; TOPMed 0.00001.
gnomAD v4.1: 11 of 1,601,566 alleles (0.00069%); highest among the groups gnomAD compares: Middle Eastern, 0.017%; no homozygotes.

Submission:

CeGaT Center for Human Genetics Tuebingen
Classification: Likely benign. Last evaluated: 2023-11-01. Review status: criteria provided, single submitter. Criteria: CeGaT Center For Human Genetics Tuebingen Variant Classification Criteria Version 2. Collection method: clinical testing. Allele origin: germline. Affected: yes. Observed: 1 variant allele.
Comment: CYP26C1: BP4, BP7